The following is an entry in ClinVar:

NM_015057.5(MYCBP2):c.9466C>T (p.Leu3156Phe)

Gene: MYCBP2 (MYC binding protein 2; minus strand). Cytogenetic location: 13q22.3.
Variant type: single nucleotide variant.
Coding change: c.9466C>T on transcript NM_015057.5 (MANE Select); coding-DNA position 9466, C replaced by T.
Protein change: p.Leu3156Phe; replaces leucine 3156 with phenylalanine.
Molecular consequence: missense variant.
Genome position (GRCh38, 1-based): chr13:77,097,688, G>A on the plus strand (C>T on the coding strand, the complement: MYCBP2 is on the minus strand). VCF-style: chr13-77097688-G-A. GRCh37 (hg19) VCF-style: chr13-77671823-G-A.
Other names: short protein forms L3156F.
Identifiers: ClinVar variation 3393674 (VCV003393674.1).

ClinVar aggregate classification (germline): Uncertain significance (1 of 4 stars; one submission).

Submission:

GeneDx
Classification: Uncertain significance. Last evaluated: 2024-07-01. Review status: criteria provided, single submitter. Criteria: GeneDx Variant Classification Process June 2021. Collection method: clinical testing. Allele origin: germline. Affected: yes.
Comment: Not observed at significant frequency in large population cohorts (gnomAD); In silico analysis supports that this missense variant has a deleterious effect on protein structure/function; Has not been previously published as pathogenic or benign to our knowledge